The following is an entry in ClinVar:

ClinVar aggregate classification (germline): Conflicting classifications of pathogenicity. Review status: criteria provided, conflicting classifications (1 of 4 stars). 2 submissions from 2 submitters: Pathogenic (1); Uncertain significance (1). Last evaluated 2025-09-14.

Conditions:
Hereditary cancer-predisposing syndrome. Also called: Neoplastic Syndromes, Hereditary; Hereditary Cancer Syndrome; Hereditary neoplastic syndrome; Tumor predisposition. Identifiers: Orphanet 140162, MedGen C0027672, MeSH D009386, MONDO:0015356.

Submissions (2):

Labcorp Genetics (formerly Invitae), Labcorp
Classification: Pathogenic. Last evaluated: 2025-09-14. Review status: criteria provided, single submitter. Criteria: Invitae Variant Classification Sherloc (09022015). Collection method: clinical testing. Allele origin: germline.
Comment: This sequence change creates a premature translational stop signal (p.Val2025*) in the POLE gene. It is expected to result in an absent or disrupted protein product. Loss-of-function variants in POLE are known to be pathogenic (PMID: 23230001, 25948378, 30503519). This variant is present in population databases (rs754630848, gnomAD 0.007%). This variant has not been reported in the literature in individuals affected with POLE-related conditions. ClinVar contains an entry for this variant (Variation ID: 540651). For these reasons, this variant has been classified as Pathogenic.

Ambry Genetics
Classification: Uncertain significance for Hereditary cancer-predisposing syndrome. Last evaluated: 2025-01-30. Review status: criteria provided, single submitter. Criteria: Ambry Variant Classification Scheme 2023. Collection method: clinical testing. Allele origin: germline.
Comment: The c.6072delC variant, located in coding exon 44 of the POLE gene, results from a deletion of one nucleotide at nucleotide position 6072, causing a translational frameshift with a predicted alternate stop codon (p.V2025*). This alteration is expected to result in loss of function by premature protein truncation or nonsense-mediated mRNA decay. Although biallelic loss of function of POLE has been associated with autosomal recessive POLE deficiency, haploinsufficiency of POLE has not been established as a mechanism of disease for POLE-related polymerase proofreading-associated polyposis (PPAP) and POLE-related CMMRD-like syndrome. Based on the supporting evidence, this variant is expected to be causative of POLE deficiency when present along with a second pathogenic variant on the other allele; however, its clinical significance for PPAP and POLE-related CMMRD-like syndrome is unclear.

Literature cited by the submitters: PubMed 23230001 (cited by Labcorp Genetics (formerly Invitae), Labcorp); PubMed 25948378 (cited by Labcorp Genetics (formerly Invitae), Labcorp); PubMed 30503519 (cited by Labcorp Genetics (formerly Invitae), Labcorp).

NM_006231.4(POLE):c.6072del (p.Pro2024_Val2025insTer)

Gene: POLE (DNA polymerase epsilon, catalytic subunit; minus strand). Cytogenetic location: 12q24.33.
Variant type: Deletion.
Coding change: c.6072del on transcript NM_006231.4 (MANE Select); coding-DNA position 6072, one base deleted (C; older notation c.6072delC).
Protein change: p.Pro2024_Val2025insTer.
Molecular consequence: frameshift variant.
Genome position (GRCh38, 1-based): chr12:132,632,728, G deleted on the plus strand (C on the coding strand, the reverse complement: POLE is on the minus strand); the first of 5 consecutive G bases (chr12:132,632,728-132,632,732); deleting any one gives the same sequence. VCF-style (leftmost placement, unchanged base first): chr12-132632727-CG-C. GRCh37 (hg19) VCF-style: chr12-133209313-CG-C.
Other names: c.6072delC (NM_006231.2, NM_006231.3).
Identifiers: ClinVar variation 540651 (VCV000540651.11), dbSNP rs754630848, ClinGen allele CA6892286.